The following is an entry in ClinVar:

NM_213622.4(STAMBP):c.509G>A (p.Arg170Gln)

Gene: STAMBP (STAM binding protein; plus strand). Cytogenetic location: 2p13.1.
Variant type: single nucleotide variant.
Coding change: c.509G>A on transcript NM_213622.4 (MANE Select); coding-DNA position 509, G replaced by A.
Protein change: p.Arg170Gln; replaces arginine 170 with glutamine.
Molecular consequence: missense variant. On other transcripts: non-coding transcript variant (4).
Genome position (GRCh38, 1-based): chr2:73,847,520, G>A. VCF-style: chr2-73847520-G-A. GRCh37 (hg19) VCF-style: chr2-74074647-G-A.
Other names: c.509G>A, p.Arg170Gln (NM_001353967.2, NM_001353968.2, NM_001353969.2 and 3 more transcripts); c.104G>A, p.Arg35Gln (NM_001353971.2, NM_001353972.2, NM_001353973.2 and 3 more transcripts); short protein forms R35Q, R170Q.
Identifiers: ClinVar variation 1487139 (VCV001487139.9), dbSNP rs369143611, ClinGen allele CA1717566.

ClinVar aggregate classification (germline): Conflicting classifications of pathogenicity. Review status: criteria provided, conflicting classifications (1 of 4 stars). 2 submissions from 2 submitters: Uncertain significance (1); Likely benign (1). Last evaluated 2024-02-17.

Allele frequency attached by ClinVar (database versions not stated): gnomAD 0.00004; gnomAD exomes 0.00004 and 0.00008; TOPMed 0.00005; ESP Exome Variant Server 0.00008; ExAC 0.00011.
gnomAD v4.1: 74 of 1,614,022 alleles (0.0046%); highest among the groups gnomAD compares: Middle Eastern, 0.016%; no homozygotes.

Submissions (2):

Labcorp Genetics (formerly Invitae), Labcorp
Classification: Uncertain significance. Last evaluated: 2024-02-17. Review status: criteria provided, single submitter. Criteria: Invitae Variant Classification Sherloc (09022015). Collection method: clinical testing. Allele origin: germline.
Comment: This sequence change replaces arginine, which is basic and polar, with glutamine, which is neutral and polar, at codon 170 of the STAMBP protein (p.Arg170Gln). The frequency data for this variant in the population databases is considered unreliable, as metrics indicate poor data quality at this position in the gnomAD database. This variant has not been reported in the literature in individuals affected with STAMBP-related conditions. ClinVar contains an entry for this variant (Variation ID: 1487139). Advanced modeling of protein sequence and biophysical properties (such as structural, functional, and spatial information, amino acid conservation, physicochemical variation, residue mobility, and thermodynamic stability) performed at Invitae indicates that this missense variant is not expected to disrupt STAMBP protein function with a negative predictive value of 80%. In summary, the available evidence is currently insufficient to determine the role of this variant in disease. Therefore, it has been classified as a Variant of Uncertain Significance.

Blueprint Genetics
Classification: Likely benign. Last evaluated: 2023-12-28. Review status: criteria provided, single submitter. Criteria: ACMG Guidelines, 2015. Collection method: clinical testing. Allele origin: germline.